The following is an entry in ClinVar:

NM_001316979.2(ZBTB45):c.1278G>A (p.Ser426=)

Gene: ZBTB45 (zinc finger and BTB domain containing 45; minus strand). Cytogenetic location: 19q13.43.
Variant type: single nucleotide variant.
Coding change: c.1278G>A on transcript NM_001316979.2 (MANE Select); coding-DNA position 1278, G replaced by A.
Protein change: p.Ser426=; no amino-acid change (serine 426 retained).
Molecular consequence: synonymous variant.
Genome position (GRCh38, 1-based): chr19:58,516,396, C>T on the plus strand (G>A on the coding strand, the complement: ZBTB45 is on the minus strand). VCF-style: chr19-58516396-C-T. GRCh37 (hg19) VCF-style: chr19-59027763-C-T.
Other names: c.1278G>A, p.Ser426= (NM_001316978.2, NM_001316981.2, NM_001316982.2 and 1 more transcripts).
Identifiers: ClinVar variation 4821684 (VCV004821684.4).

ClinVar aggregate classification (germline): Likely benign (1 of 4 stars; one submission).

gnomAD v4.1: 42 of 1,613,834 alleles (0.0026%); highest among the groups gnomAD compares: African/African-American, 0.019%; no homozygotes.

Submission:

CeGaT Center for Human Genetics Tuebingen
Classification: Likely benign. Last evaluated: 2026-01-01. Review status: criteria provided, single submitter. Criteria: CeGaT Center For Human Genetics Tuebingen Variant Classification Criteria Version 2. Collection method: clinical testing. Allele origin: germline. Affected: yes. Observed: 1 variant allele.
Comment: ZBTB45: BP4, BP7